The following is an entry in ClinVar:

ClinVar aggregate classification (germline): Benign. Review status: criteria provided, multiple submitters, no conflicts (2 of 4 stars). 10 submissions from 10 submitters: Benign (8). 2 of the submissions do not count toward it. Last evaluated 2026-02-02.

Conditions:
Long QT syndrome (LQTS). Identifiers: MedGen C0023976, MeSH D008133, MONDO:0002442. Disease mechanism: loss of function. Inheritance: Various modes of inheritance.
Cardiac arrhythmia, ankyrin-B-related. Also called: ANKYRIN-B SYNDROME. Identifiers: Orphanet 101016, Orphanet 768, MedGen C1970119, MONDO:0010958, OMIM 600919.
Cardiovascular phenotype. Identifiers: MedGen CN230736.

Allele frequency attached by ClinVar (database versions not stated): gnomAD exomes 0.00181 and 0.00405; ExAC 0.00492; gnomAD 0.01496 and 0.01587; TOPMed 0.01709; ESP Exome Variant Server 0.01907; 1000 Genomes Project 30x 0.02108; 1000 Genomes Project 0.02216.
gnomAD v4.1: 5,009 of 1,614,000 alleles (0.31%); highest among the groups gnomAD compares: African/African-American, 5.2%; 130 homozygotes.

Submissions (10):

Labcorp Genetics (formerly Invitae), Labcorp
Classification: Benign for Long QT syndrome. Last evaluated: 2026-02-02. Review status: criteria provided, single submitter. Criteria: Invitae Variant Classification Sherloc (09022015). Collection method: clinical testing. Allele origin: germline.

ARUP Laboratories, Molecular Genetics and Genomics, ARUP Laboratories
Classification: Benign. Last evaluated: 2023-11-29. Review status: criteria provided, single submitter. Criteria: ARUP Molecular Germline Variant Investigation Process 2024. Collection method: clinical testing. Allele origin: germline.

Genome-Nilou Lab
Classification: Benign for Cardiac arrhythmia, ankyrin-B-related. Last evaluated: 2021-12-05. Review status: criteria provided, single submitter. Criteria: ACMG Guidelines, 2015. Collection method: clinical testing. Allele origin: germline. Affected: no.

Illumina Laboratory Services, Illumina
Classification: Benign for Cardiac arrhythmia, ankyrin-B-related. Last evaluated: 2018-01-13. Review status: criteria provided, single submitter. Criteria: ICSL Variant Classification Criteria 13 December 2019. Collection method: clinical testing. Allele origin: germline.
Comment: This variant was observed in the ICSL laboratory as part of a predisposition screen in an ostensibly healthy population. It had not been previously curated by ICSL or reported in the Human Gene Mutation Database (HGMD: prior to June 1st, 2018), and was therefore a candidate for classification through an automated scoring system. Utilizing variant allele frequency, disease prevalence and penetrance estimates, and inheritance mode, an automated score was calculated to assess if this variant is too frequent to cause the disease. Based on the score and internal cut-off values, a variant classified as benign is not then subjected to further curation. The score for this variant resulted in a classification of benign for this disease.

GeneDx
Classification: Benign. Last evaluated: 2016-10-20. Review status: criteria provided, single submitter. Criteria: GeneDx Variant Classification (06012015). Collection method: clinical testing. Allele origin: germline. Affected: yes.
Comment: This variant is considered likely benign or benign based on one or more of the following criteria: it is a conservative change, it occurs at a poorly conserved position in the protein, it is predicted to be benign by multiple in silico algorithms, and/or has population frequency not consistent with disease.

Ambry Genetics
Classification: Benign for Cardiovascular phenotype. Last evaluated: 2015-07-15. Review status: criteria provided, single submitter. Criteria: Ambry Variant Classification Scheme 2023. Collection method: clinical testing. Allele origin: germline.

Biesecker Lab/Clinical Genomics Section, National Institutes of Health
Classification: Benign. Last evaluated: 2013-06-24. Review status: criteria provided, single submitter. Criteria: Ng et al. (Circ Cardiovasc Genet. 2013). Collection method: research. Allele origin: unknown. Observed: 5 variant alleles. Study: ClinSeq.
Comment: The study set was not selected for affection status in relation to any cancer. Pathogenicity categories were based on literature curation. See Pubmed ID:23861362 for details.

Medical sequencing

Breakthrough Genomics
Classification: Benign. Review status: criteria provided, single submitter. Criteria: ACMG Guidelines, 2015. Collection method: not provided. Allele origin: germline. Inheritance: Autosomal dominant inheritance. Affected: yes.

Clinical Genetics, Academic Medical Center
Classification: Benign. Review status: no assertion criteria provided. Collection method: clinical testing. Allele origin: germline. Affected: yes. Study: VKGL Data-share Consensus. Not counted in ClinVar's aggregate classification.

Joint Genome Diagnostic Labs from Nijmegen and Maastricht, Radboudumc and MUMC+
Classification: Benign. Review status: no assertion criteria provided. Collection method: clinical testing. Allele origin: germline. Affected: yes. Study: VKGL Data-share Consensus. Not counted in ClinVar's aggregate classification.

NM_001148.6(ANK2):c.7007C>T (p.Ala2336Val)

Genes: ANK2 (ankyrin 2; plus strand), LOC126807137 (CDK7 strongly-dependent group 2 enhancer GRCh37_chr4:114276560-114277759; plus strand). Cytogenetic location: 4q26.
Variant type: single nucleotide variant.
Coding change: c.7007C>T on transcript NM_001148.6 (MANE Select); coding-DNA position 7007, C replaced by T.
Protein change: p.Ala2336Val; replaces alanine 2336 with valine.
Molecular consequence: missense variant. On other transcripts: intron variant (68).
Genome position (GRCh38, 1-based): chr4:113,355,625, C>T. VCF-style: chr4-113355625-C-T. GRCh37 (hg19) VCF-style: chr4-114276781-C-T.
Other names: c.6773C>T, p.Ala2258Val (NM_001386142.1); c.3407C>T, p.Ala1136Val (NM_001386166.1); c.7148C>T, p.Ala2383Val (NM_001386174.1); c.7124C>T, p.Ala2375Val (NM_001386175.1); c.4412-5198C>T (NM_001386186.2, NM_001386148.2); c.4214-5198C>T (NM_001354269.3); c.4292-5198C>T (NM_001386187.2); c.4253-5198C>T (NM_001386147.1); and 35 more; short protein forms A2336V, A1136V, A2258V, A2375V, A2383V.
Identifiers: ClinVar variation 191559 (VCV000191559.25), dbSNP rs61734477, ClinGen allele CA199884.